The following is an entry in ClinVar:

ClinVar aggregate classification (germline): Conflicting classifications of pathogenicity. Review status: criteria provided, conflicting classifications (1 of 4 stars). 8 submissions from 8 submitters: Uncertain significance (3); Likely benign (4). 1 of the submissions does not count toward it. Last evaluated 2026-03-01.

Conditions:
Ullrich congenital muscular dystrophy 2 (UCMD2). Identifiers: Orphanet 75840, MedGen C4225314, MONDO:0014654, OMIM 616470.
Bethlem myopathy 2 (BTHLM2). Identifiers: Orphanet 536516, Orphanet 610, MedGen C4225313, MONDO:0034022, OMIM 616471.

Allele frequency attached by ClinVar (database versions not stated): 1000 Genomes Project 30x 0.00016; 1000 Genomes Project 0.00020; gnomAD exomes 0.00020 and 0.00046; TOPMed 0.00022; gnomAD 0.00025 and 0.00026; ExAC 0.00034; ESP Exome Variant Server 0.00042.
gnomAD v4.1: 698 of 1,608,162 alleles (0.043%); highest among the groups gnomAD compares: Non-Finnish European, 0.055%; 2 homozygotes.

Submissions (8):

CeGaT Center for Human Genetics Tuebingen
Classification: Likely benign. Last evaluated: 2026-03-01. Review status: criteria provided, single submitter. Criteria: CeGaT Center For Human Genetics Tuebingen Variant Classification Criteria Version 2. Collection method: clinical testing. Allele origin: germline. Affected: yes. Observed: 3 variant alleles.
Comment: COL12A1: BS2

Labcorp Genetics (formerly Invitae), Labcorp
Classification: Likely benign for Bethlem myopathy 2; Ullrich congenital muscular dystrophy 2. Last evaluated: 2025-12-17. Review status: criteria provided, single submitter. Criteria: Invitae Variant Classification Sherloc (09022015). Collection method: clinical testing. Allele origin: germline.

Mayo Clinic Laboratories, Mayo Clinic
Classification: Uncertain significance. Last evaluated: 2025-04-04. Review status: criteria provided, single submitter. Criteria: ACMG Guidelines, 2015. Collection method: clinical testing. Allele origin: germline. Observed: 3 variant alleles.
Comment: BP4_moderate

Women's Health and Genetics/Laboratory Corporation of America, LabCorp
Classification: Likely benign. Last evaluated: 2024-12-10. Review status: criteria provided, single submitter. Criteria: LabCorp Variant Classification Summary - May 2015. Collection method: clinical testing. Allele origin: germline.
Comment: Variant summary: COL12A1 c.6922C>G (p.Pro2308Ala) results in a non-conservative amino acid change in the encoded protein sequence. Three of five in-silico tools predict a benign effect of the variant on protein function. The variant allele was found at a frequency of 0.00044 in 1601190 control chromosomes in the gnomAD database (v4.1 dataset), including 2 homozygotes. To our knowledge, no occurrence of c.6922C>G in individuals affected with Ullrich congenital muscular dystrophy 2 and no experimental evidence demonstrating its impact on protein function have been reported. ClinVar contains an entry for this variant (Variation ID: 542491). Based on the evidence outlined above, the variant was classified as likely benign.

GeneDx
Classification: Uncertain significance. Last evaluated: 2023-07-31. Review status: criteria provided, single submitter. Criteria: GeneDx Variant Classification Process June 2021. Collection method: clinical testing. Allele origin: germline. Affected: yes.
Comment: Has not been previously published as pathogenic or benign to our knowledge; In silico analysis supports that this missense variant has a deleterious effect on protein structure/function

Revvity Omics, Revvity
Classification: Likely benign. Last evaluated: 2023-02-27. Review status: criteria provided, single submitter. Criteria: ACMG Guidelines, 2015. Collection method: clinical testing. Allele origin: germline.

Fulgent Genetics
Classification: Uncertain significance for Ullrich congenital muscular dystrophy 2; Bethlem myopathy 2. Last evaluated: 2018-10-31. Review status: criteria provided, single submitter. Criteria: ACMG Guidelines, 2015. Collection method: clinical testing. Allele origin: unknown.

Zotz-Klimas Genetics Lab, MVZ Zotz Klimas
Classification: Uncertain significance for Bethlem myopathy 2. Last evaluated: 2023-11-02. Review status: no assertion criteria provided. Collection method: clinical testing. Allele origin: germline. Affected: yes. Not counted in ClinVar's aggregate classification.

NM_004370.6(COL12A1):c.6922C>G (p.Pro2308Ala)

Gene: COL12A1 (collagen type XII alpha 1 chain; minus strand). Cytogenetic location: 6q13.
Variant type: single nucleotide variant.
Coding change: c.6922C>G on transcript NM_004370.6 (MANE Select); coding-DNA position 6922, C replaced by G.
Protein change: p.Pro2308Ala; replaces proline 2308 with alanine.
Molecular consequence: missense variant.
Genome position (GRCh38, 1-based): chr6:75,123,354, G>C on the plus strand (C>G on the coding strand, the complement: COL12A1 is on the minus strand). VCF-style: chr6-75123354-G-C. GRCh37 (hg19) VCF-style: chr6-75833070-G-C.
Other names: p.Pro2308Ala; c.3430C>G, p.Pro1144Ala (NM_080645.3); short protein forms P2308A, P1144A.
Identifiers: ClinVar variation 542491 (VCV000542491.42), dbSNP rs55997127, ClinGen allele CA3892699.
Genomic context (GRCh38, chr6:75,123,354, plus strand): 5'-ATCAGCTGAACGTATTGCCTATTTAGCTGTACTTACCATCCCGGGCTGGTGGAATGGTGG[G>C]AGGGGGAGGAGGTGTGGGTGGCTCTGTAGGGGCTTCTGTTGGTTTCACAGCTAAAATTTA-3'
Protein context (NP_004361.3, residues 2298-2318): PTEPPTPPPP[Pro2308Ala]TIPPARDVCK